The following is an entry in ClinVar:

NM_000531.6(OTC):c.541-2A>G

Gene: OTC (ornithine transcarbamylase; plus strand). Cytogenetic location: Xp11.4.
Variant type: single nucleotide variant.
Coding change: c.541-2A>G on transcript NM_000531.6 (MANE Select); the canonical splice acceptor site of the intron before coding-DNA position 541, A replaced by G.
Molecular consequence: splice acceptor variant.
Genome position (GRCh38, 1-based): chrX:38,403,616, A>G. VCF-style: chrX-38403616-A-G. GRCh37 (hg19) VCF-style: chrX-38262869-A-G.
Other names: c.541-2A>G (NM_001407092.1).
Identifiers: ClinVar variation 97243 (VCV000097243.2), dbSNP rs72556289, ClinGen allele CA224675.

ClinVar aggregate classification (germline): Pathogenic (0 of 4 stars; one submission).

Submission:

GenMed Metabolism Lab
Classification: Pathogenic. Review status: no assertion criteria provided. Collection method: not provided. Allele origin: unknown.
Comment: Neonatal, Acceptor splice site error
ClinVar note: Converted during submission from pathogenic to Pathogenic.